The following is an entry in ClinVar:

ClinVar aggregate classification (germline): Uncertain significance. Review status: criteria provided, multiple submitters, no conflicts (2 of 4 stars). 2 submissions from 2 submitters: Uncertain significance (2). Last evaluated 2025-09-24.

Allele frequency attached by ClinVar (database versions not stated): TOPMed 0.00002; ExAC 0.00003; gnomAD 0.00003; 1000 Genomes Project 30x 0.00016; 1000 Genomes Project 0.00020.
gnomAD v4.1: 23 of 1,566,584 alleles (0.0015%); highest among the groups gnomAD compares: African/African-American, 0.0042%; no homozygotes.

Submissions (2):

Labcorp Genetics (formerly Invitae), Labcorp
Classification: Uncertain significance. Last evaluated: 2025-09-24. Review status: criteria provided, single submitter. Criteria: Invitae Variant Classification Sherloc (09022015). Collection method: clinical testing. Allele origin: germline.
Comment: This sequence change replaces arginine, which is basic and polar, with histidine, which is basic and polar, at codon 898 of the GEN1 protein (p.Arg898His). This variant is present in population databases (rs141519917, gnomAD 0.01%). This variant has not been reported in the literature in individuals affected with GEN1-related conditions. ClinVar contains an entry for this variant (Variation ID: 2072855). An algorithm developed to predict the effect of missense changes on protein structure and function (PolyPhen-2) suggests that this variant is likely to be tolerated. In summary, the available evidence is currently insufficient to determine the role of this variant in disease. Therefore, it has been classified as a Variant of Uncertain Significance.

Ambry Genetics
Classification: Uncertain significance. Last evaluated: 2024-12-29. Review status: criteria provided, single submitter. Criteria: Ambry Variant Classification Scheme 2023. Collection method: clinical testing. Allele origin: germline.
Comment: The p.R898H variant (also known as c.2693G>A), located in coding exon 13 of the GEN1 gene, results from a G to A substitution at nucleotide position 2693. The arginine at codon 898 is replaced by histidine, an amino acid with highly similar properties. This amino acid position is conserved. In addition, this alteration is predicted to be tolerated by in silico analysis. Based on the available evidence, the clinical significance of this variant remains unclear.

NM_001130009.3(GEN1):c.2693G>A (p.Arg898His)

Gene: GEN1 (GEN1 structure-specific endonuclease; plus strand). Cytogenetic location: 2p24.2.
Variant type: single nucleotide variant.
Coding change: c.2693G>A on transcript NM_001130009.3 (MANE Select); coding-DNA position 2693, G replaced by A.
Protein change: p.Arg898His; replaces arginine 898 with histidine.
Molecular consequence: missense variant.
Genome position (GRCh38, 1-based): chr2:17,781,905, G>A. VCF-style: chr2-17781905-G-A. GRCh37 (hg19) VCF-style: chr2-17963172-G-A.
Other names: c.2693G>A (NM_001130009.1); c.2693G>A, p.Arg898His (NM_182625.5); short protein forms R898H.
Identifiers: ClinVar variation 2072855 (VCV002072855.5), dbSNP rs141519917, ClinGen allele CA1541007.